The following is an entry in ClinVar:

ClinVar aggregate classification (germline): Likely benign (1 of 4 stars; one submission).

Allele frequency attached by ClinVar (database versions not stated): 1000 Genomes Project 30x 0.00016; 1000 Genomes Project 0.00020; gnomAD 0.00091; TOPMed 0.00104; ESP Exome Variant Server 0.00115; ExAC 0.00127.
gnomAD v4.1: 2,391 of 1,614,094 alleles (0.15%); highest among the groups gnomAD compares: Non-Finnish European, 0.19%; 4 homozygotes.

Submission:

CeGaT Center for Human Genetics Tuebingen
Classification: Likely benign. Last evaluated: 2023-02-01. Review status: criteria provided, single submitter. Criteria: CeGaT Center For Human Genetics Tuebingen Variant Classification Criteria Version 2. Collection method: clinical testing. Allele origin: germline. Affected: yes. Observed: 1 variant allele.
Comment: TARBP1: BP4, BP7

NM_005646.4(TARBP1):c.2751G>A (p.Pro917=)

Gene: TARBP1 (tRNA guanosine 2 -O-methyltransferase TARBP1; minus strand). Cytogenetic location: 1q42.2.
Variant type: single nucleotide variant.
Coding change: c.2751G>A on transcript NM_005646.4 (MANE Select); coding-DNA position 2751, G replaced by A.
Protein change: p.Pro917=; no amino-acid change (proline 917 retained).
Molecular consequence: synonymous variant.
Genome position (GRCh38, 1-based): chr1:234,429,536, C>T on the plus strand (G>A on the coding strand, the complement: TARBP1 is on the minus strand). VCF-style: chr1-234429536-C-T. GRCh37 (hg19) VCF-style: chr1-234565282-C-T.
Identifiers: ClinVar variation 2640091 (VCV002640091.24), dbSNP rs138456953, ClinGen allele CA1460749.
Genomic context (GRCh38, chr1:234,429,536, plus strand): 5'-TGTGAGGGCTTCTAGTGCAGACTGCAAAGTCCTTATTGGCATCTGAACGGCAGGTAGAAA[C>T]GGTTCCAGAATTTCACTCCCTGTGGTTGGTATAAGGGTGTGATATTTTTTCAACAGGAAA-3'
Protein context (NP_005637.3, residues 907-927): IPTTGSEILE[Pro917=]FLPAVQMPIR